The following is an entry in ClinVar:

ClinVar aggregate classification (germline): Likely pathogenic (1 of 4 stars; one submission).

Conditions:
Familial hypobetalipoproteinemia 1. Also called: APOB-Related Familial Hypobetalipoproteinemia; Hypobetalipoproteinemia, normotriglyceridemic; Acanthocytosis with hypobetalipoproteinemia. Identifiers: MedGen C4551990, MONDO:0014252, OMIM 615558.
Hypercholesterolemia, autosomal dominant, type B (FHCL2). Also called: Hyperlipoproteinemia Type IIb; Familial Hypercholesterolemia Type B; APOLIPOPROTEIN B-100, FAMILIAL DEFECTIVE; APOLIPOPROTEIN B-100, FAMILIAL LIGAND-DEFECTIVE; HYPERCHOLESTEROLEMIA, FAMILIAL, DUE TO LIGAND-DEFECTIVE APOLIPOPROTEIN B; APOB-Related Familial Hypercholesterolemia, Autosomal Dominant. Identifiers: MedGen C1704417, MONDO:0007751, OMIM 144010.

Submission:

Labcorp Genetics (formerly Invitae), Labcorp
Classification: Likely pathogenic for Familial hypobetalipoproteinemia 1; Hypercholesterolemia, autosomal dominant, type B. Last evaluated: 2022-05-05. Review status: criteria provided, single submitter. Criteria: Invitae Variant Classification Sherloc (09022015). Collection method: clinical testing. Allele origin: germline.
Comment: This variant is not present in population databases (gnomAD no frequency). This sequence change affects a donor splice site in intron 1 of the APOB gene. It is expected to disrupt RNA splicing. Variants that disrupt the donor or acceptor splice site typically lead to a loss of protein function (PMID: 16199547), and loss-of-function variants in APOB are known to be pathogenic (PMID: 20032471). This variant has not been reported in the literature in individuals affected with APOB-related conditions. Algorithms developed to predict the effect of sequence changes on RNA splicing suggest that this variant may disrupt the consensus splice site. In summary, the currently available evidence indicates that the variant is pathogenic, but additional data are needed to prove that conclusively. Therefore, this variant has been classified as Likely Pathogenic.

Literature cited by the submitters: PubMed 16199547; PubMed 20032471.

NM_000384.3(APOB):c.82+2T>C

Genes: APOB (apolipoprotein B; minus strand), LOC106560211 (APOB 5' regulatory region; plus strand). Cytogenetic location: 2p24.1.
Variant type: single nucleotide variant.
Coding change: c.82+2T>C on transcript NM_000384.3 (MANE Select); the canonical splice donor site of the intron after coding-DNA position 82, T replaced by C.
Molecular consequence: splice donor variant.
Genome position (GRCh38, 1-based): chr2:21,043,862, A>G on the plus strand (T>C on the coding strand, the complement: APOB is on the minus strand). VCF-style: chr2-21043862-A-G. GRCh37 (hg19) VCF-style: chr2-21266734-A-G.
Identifiers: ClinVar variation 2134447 (VCV002134447.4), dbSNP rs1558269982, ClinGen allele CA345966052.
Genomic context (GRCh38, chr2:21,043,862, plus strand): 5'-CAACCTCGTGCCGCCGGCTCCCTCCCGCTCCCTCTGCGCCCGCAGAGCGGCCGCGCACTC[A>G]CCGGCCCTGGCGCCCGCCAGCAGCAGCAGCAGCAGCGCAGGCAGCGCCAGCAGCGCCAGC-3'